The following is an entry in ClinVar:

ClinVar aggregate classification (germline): Uncertain significance (1 of 4 stars; one submission).

Submission:

GeneDx
Classification: Uncertain significance. Last evaluated: 2021-07-02. Review status: criteria provided, single submitter. Criteria: GeneDx Variant Classification Process June 2021. Collection method: clinical testing. Allele origin: germline. Affected: yes.
Comment: Not observed at significant frequency in large population cohorts (Lek et al., 2016); Missense variants in this gene are often considered pathogenic (Stenson et al., 2014); In silico analysis supports that this missense variant has a deleterious effect on protein structure/function; Has not been previously published as pathogenic or benign to our knowledge; This variant is associated with the following publications: (PMID: 27535533)

NM_002834.5(PTPN11):c.1460A>G (p.Asp487Gly)

Gene: PTPN11 (protein tyrosine phosphatase non-receptor type 11; plus strand). Cytogenetic location: 12q24.13.
Variant type: single nucleotide variant.
Coding change: c.1460A>G on transcript NM_002834.5 (MANE Select); coding-DNA position 1460, A replaced by G.
Protein change: p.Asp487Gly; replaces aspartic acid 487 with glycine.
Molecular consequence: missense variant.
Genome position (GRCh38, 1-based): chr12:112,489,036, A>G. VCF-style: chr12-112489036-A-G. GRCh37 (hg19) VCF-style: chr12-112926840-A-G.
Other names: p.D487G:GAT>GGT; c.1472A>G, p.Asp491Gly (NM_001330437.2); c.1457A>G, p.Asp486Gly (NM_001374625.1); short protein forms D487G, D491G, D486G.
Identifiers: ClinVar variation 181502 (VCV000181502.5), dbSNP rs730880994, ClinGen allele CA297094.